The following is an entry in ClinVar:

ClinVar aggregate classification (germline): Benign. Review status: criteria provided, multiple submitters, no conflicts (2 of 4 stars). 2 submissions from 2 submitters: Benign (2). Last evaluated 2018-06-14.

Allele frequency attached by ClinVar (database versions not stated): gnomAD 0.05792 and 0.05873; TOPMed 0.06461; 1000 Genomes Project 0.07608; 1000 Genomes Project 30x 0.07870.
gnomAD v4.1: 21,241 of 642,668 alleles (3.3%); highest among the groups gnomAD compares: African/African-American, 15%; 850 homozygotes.

Submissions (2):

GeneDx
Classification: Benign. Last evaluated: 2018-06-14. Review status: criteria provided, single submitter. Criteria: GeneDx Variant Classification (06012015). Collection method: clinical testing. Allele origin: germline. Affected: yes.
Comment: This variant is considered likely benign or benign based on one or more of the following criteria: it is a conservative change, it occurs at a poorly conserved position in the protein, it is predicted to be benign by multiple in silico algorithms, and/or has population frequency not consistent with disease.

Breakthrough Genomics
Classification: Benign. Review status: criteria provided, single submitter. Criteria: ACMG Guidelines, 2015. Collection method: not provided. Allele origin: germline. Inheritance: Autosomal dominant inheritance. Affected: yes.

NM_001040151.2(SCN3B):c.446-204C>T

Gene: SCN3B (sodium voltage-gated channel beta subunit 3; minus strand). Cytogenetic location: 11q24.1.
Variant type: single nucleotide variant.
Coding change: c.446-204C>T on transcript NM_001040151.2 (MANE Select); 204 bases into the intron before coding-DNA position 446, C replaced by T.
Molecular consequence: intron variant.
Genome position (GRCh38, 1-based): chr11:123,638,528, G>A on the plus strand (C>T on the coding strand, the complement: SCN3B is on the minus strand). VCF-style: chr11-123638528-G-A. GRCh37 (hg19) VCF-style: chr11-123509236-G-A.
Other names: c.446-204C>T (NM_018400.4).
Identifiers: ClinVar variation 675386 (VCV000675386.2), dbSNP rs56655956, ClinGen allele CA229976846.
Genomic context (GRCh38, chr11:123,638,528, plus strand): 5'-TCCCGCCCATTGGCTTTCTCACTGACTGTCATCAGCTGCTCAGGAGCCAGGGAAGAGGGA[G>A]TGGGATGCCTGGAAGAAGTAGCCGAGCAGTGGAAGGAATCCTGGCCTCAAAGTGAGATAT-3'